The following is an entry in ClinVar:

NM_000387.6(SLC25A20):c.425C>T (p.Ala142Val)

Gene: SLC25A20 (solute carrier family 25 member 20; minus strand). Cytogenetic location: 3p21.31.
Variant type: single nucleotide variant.
Coding change: c.425C>T on transcript NM_000387.6 (MANE Select); coding-DNA position 425, C replaced by T.
Protein change: p.Ala142Val; replaces alanine 142 with valine.
Molecular consequence: missense variant.
Genome position (GRCh38, 1-based): chr3:48,862,652, G>A on the plus strand (C>T on the coding strand, the complement: SLC25A20 is on the minus strand). VCF-style: chr3-48862652-G-A. GRCh37 (hg19) VCF-style: chr3-48900085-G-A.
Other names: short protein forms A142V.
Identifiers: ClinVar variation 1205325 (VCV001205325.4), dbSNP rs759262977, ClinGen allele CA352628618.

ClinVar aggregate classification (germline): Uncertain significance (1 of 4 stars; one submission).

gnomAD v4.1: 10 of 1,608,874 alleles (0.00062%); highest among the groups gnomAD compares: Non-Finnish European, 0.00085%; no homozygotes.

Submission:

GeneDx
Classification: Uncertain significance. Last evaluated: 2024-02-06. Review status: criteria provided, single submitter. Criteria: GeneDx Variant Classification Process June 2021. Collection method: clinical testing. Allele origin: germline. Affected: yes.
Comment: Not observed at significant frequency in large population cohorts (gnomAD); In silico analysis supports that this missense variant has a deleterious effect on protein structure/function; In silico analysis suggests this variant may impact gene splicing. In the absence of RNA/functional studies, the actual effect of this sequence change is unknown.; Has not been previously published as pathogenic or benign to our knowledge